The following is an entry in ClinVar:

NM_004403.3(GSDME):c.823A>G (p.Ile275Val)

Gene: GSDME (gasdermin E; minus strand). Cytogenetic location: 7p15.3.
Variant type: single nucleotide variant.
Coding change: c.823A>G on transcript NM_004403.3; coding-DNA position 823, A replaced by G.
Protein change: p.Ile275Val; replaces isoleucine 275 with valine.
Molecular consequence: missense variant.
Genome position (GRCh38, 1-based): chr7:24,710,263, T>C on the plus strand (A>G on the coding strand, the complement: GSDME is on the minus strand). VCF-style: chr7-24710263-T-C. GRCh37 (hg19) VCF-style: chr7-24749882-T-C.
Other names: c.823A>G, p.Ile275Val (NM_001127453.2); c.331A>G, p.Ile111Val (NM_001127454.2); short protein forms I275V, I111V.
Identifiers: ClinVar variation 290801 (VCV000290801.20), dbSNP rs149956122, ClinGen allele CA4191552.

ClinVar aggregate classification (germline): Conflicting classifications of pathogenicity. Review status: criteria provided, conflicting classifications (1 of 4 stars). 5 submissions from 5 submitters: Uncertain significance (1); Benign (1); Likely benign (2). 1 of the submissions does not count toward it. Last evaluated 2025-11-24.

Conditions:
GSDME-related disorder. Also called: GSDME-related condition.

Allele frequency attached by ClinVar (database versions not stated): gnomAD exomes 0.00010 and 0.00026; ExAC 0.00030; gnomAD 0.00067; 1000 Genomes Project 0.00100; ESP Exome Variant Server 0.00115; TOPMed 0.00119; 1000 Genomes Project 30x 0.00141.
gnomAD v4.1: 305 of 1,614,164 alleles (0.019%); highest among the groups gnomAD compares: African/African-American, 0.36%; no homozygotes.

Submissions (5):

Labcorp Genetics (formerly Invitae), Labcorp
Classification: Benign. Last evaluated: 2025-11-24. Review status: criteria provided, single submitter. Criteria: Invitae Variant Classification Sherloc (09022015). Collection method: clinical testing. Allele origin: germline.

Blueprint Genetics
Classification: Likely benign. Last evaluated: 2024-05-29. Review status: criteria provided, single submitter. Criteria: ACMG Guidelines, 2015. Collection method: clinical testing. Allele origin: germline.

GeneDx
Classification: Likely benign. Last evaluated: 2020-03-09. Review status: criteria provided, single submitter. Criteria: GeneDx Variant Classification Process June 2021. Collection method: clinical testing. Allele origin: germline. Affected: yes.

Eurofins Ntd Llc (ga)
Classification: Uncertain significance. Last evaluated: 2016-09-07. Review status: criteria provided, single submitter. Criteria: EGL Classification Definitions 2015. Collection method: clinical testing. Allele origin: germline. Observed: 1 variant allele, 1 heterozygote.

PreventionGenetics, part of Exact Sciences
Classification: Likely benign for GSDME-related condition. Last evaluated: 2022-09-24. Review status: no assertion criteria provided. Collection method: clinical testing. Allele origin: germline. Not counted in ClinVar's aggregate classification.
Comment: This variant is classified as likely benign based on ACMG/AMP sequence variant interpretation guidelines (Richards et al. 2015 PMID: 25741868, with internal and published modifications).